The following is an entry in ClinVar:

ClinVar aggregate classification (germline): Pathogenic (1 of 4 stars; one submission).

Submission:

Labcorp Genetics (formerly Invitae), Labcorp
Classification: Pathogenic. Last evaluated: 2023-04-06. Review status: criteria provided, single submitter. Criteria: Invitae Variant Classification Sherloc (09022015). Collection method: clinical testing. Allele origin: germline.
Comment: This variant has not been reported in the literature in individuals affected with SLC27A4-related conditions. For these reasons, this variant has been classified as Pathogenic. This variant is not present in population databases (gnomAD no frequency). This sequence change creates a premature translational stop signal (p.Asp280Alafs*27) in the SLC27A4 gene. It is expected to result in an absent or disrupted protein product. Loss-of-function variants in SLC27A4 are known to be pathogenic (PMID: 19631310, 21450060).

Literature cited by the submitters: PubMed 19631310; PubMed 21450060.

NM_005094.4(SLC27A4):c.839del (p.Asp280fs)

Gene: SLC27A4 (solute carrier family 27 member 4; plus strand). Cytogenetic location: 9q34.11.
Variant type: Deletion.
Coding change: c.839del on transcript NM_005094.4 (MANE Select); coding-DNA position 839, one base deleted (A; older notation c.839delA).
Protein change: p.Asp280fs; shifts the reading frame from aspartic acid 280.
Molecular consequence: frameshift variant.
Genome position (GRCh38, 1-based): chr9:128,350,537, A deleted. VCF-style (leftmost placement, unchanged base first): chr9-128350536-GA-G. GRCh37 (hg19) VCF-style: chr9-131112815-GA-G.
Other names: short protein forms D280fs.
Identifiers: ClinVar variation 2822452 (VCV002822452.3), dbSNP rs2539457976, ClinGen allele CA2739265081.
Genomic context (GRCh38, chr9:128,350,536, plus strand): 5'-CTTCCCAGGTATTACCGCATGGCTGCCCTGGTGTACTATGGATTCCGCATGCGGCCCAAC[GA>G]CATCGTCTATGACTGCCTCCCCCTCTACCACTCAGCAGGTAACTCTAGGGCTGTCACACA-3'